The following is an entry in ClinVar:

ClinVar aggregate classification (germline): Uncertain significance (1 of 4 stars; one submission).

Conditions:
Osteogenesis imperfecta type 7 (OI7). Also called: OI type 7; OI type VII; OSTEOGENESIS IMPERFECTA, TYPE IIB; Osteogenesis imperfecta type 2B; OI type 2B; Osteogenesis imperfecta, perinatal lethal autosomal recessive. Identifiers: MedGen C1853162, MONDO:0012536, OMIM 610682.

Allele frequency attached by ClinVar (database versions not stated): ExAC 0.00001; gnomAD 0.00001; gnomAD exomes 0.00001 and 0.00002; TOPMed 0.00001; 1000 Genomes Project 30x 0.00016; 1000 Genomes Project 0.00020.
gnomAD v4.1: 15 of 1,614,132 alleles (0.00093%); highest among the groups gnomAD compares: East Asian, 0.018%; no homozygotes.

Submission:

Labcorp Genetics (formerly Invitae), Labcorp
Classification: Uncertain significance for Osteogenesis imperfecta type 7. Last evaluated: 2021-11-10. Review status: criteria provided, single submitter. Criteria: Invitae Variant Classification Sherloc (09022015). Collection method: clinical testing. Allele origin: germline.
Comment: This sequence change replaces arginine, which is basic and polar, with glutamine, which is neutral and polar, at codon 215 of the CRTAP protein (p.Arg215Gln). This variant is present in population databases (rs572086683, gnomAD 0.02%). This variant has not been reported in the literature in individuals affected with CRTAP-related conditions. ClinVar contains an entry for this variant (Variation ID: 836636). Algorithms developed to predict the effect of missense changes on protein structure and function (SIFT, PolyPhen-2, Align-GVGD) all suggest that this variant is likely to be tolerated. In summary, the available evidence is currently insufficient to determine the role of this variant in disease. Therefore, it has been classified as a Variant of Uncertain Significance.

NM_006371.5(CRTAP):c.644G>A (p.Arg215Gln)

Gene: CRTAP (cartilage associated protein; plus strand). Cytogenetic location: 3p22.3.
Variant type: single nucleotide variant.
Coding change: c.644G>A on transcript NM_006371.5 (MANE Select); coding-DNA position 644, G replaced by A.
Protein change: p.Arg215Gln; replaces arginine 215 with glutamine.
Molecular consequence: missense variant.
Genome position (GRCh38, 1-based): chr3:33,124,430, G>A. VCF-style: chr3-33124430-G-A. GRCh37 (hg19) VCF-style: chr3-33165922-G-A.
Other names: short protein forms R215Q.
Identifiers: ClinVar variation 836636 (VCV000836636.4), dbSNP rs572086683, ClinGen allele CA2300350.